The following is an entry in ClinVar:

NM_002454.3(MTRR):c.904-2A>G

Gene: MTRR (5-methyltetrahydrofolate-homocysteine methyltransferase reductase; plus strand). Cytogenetic location: 5p15.31.
Variant type: single nucleotide variant.
Coding change: c.904-2A>G on transcript NM_002454.3 (MANE Select); the canonical splice acceptor site of the intron before coding-DNA position 904, A replaced by G.
Molecular consequence: splice acceptor variant.
Genome position (GRCh38, 1-based): chr5:7,885,699, A>G. VCF-style: chr5-7885699-A-G. GRCh37 (hg19) VCF-style: chr5-7885812-A-G.
Other names: c.904-2A>G (NM_001364440.2, NM_001364441.2, NM_001364442.2 and 1 more transcripts).
Identifiers: ClinVar variation 2963578 (VCV002963578.3), dbSNP rs751833826, ClinGen allele CA3195758.
Genomic context (GRCh38, chr5:7,885,699, plus strand): 5'-ACAGCTTAAACTATGTAACACGTATAATGTATTTTTTTTTTTTCATTTTGGCTCTTCTCT[A>G]GAATACAGACTTTTCCTATCAGCCTGGAGATGCCTTCAGCGTGATCTGCCCTAACAGTGA-3'

ClinVar aggregate classification (germline): Likely pathogenic (1 of 4 stars; one submission).

Conditions:
Methylcobalamin deficiency type cblE (HMAE). Also called: HOMOCYSTINURIA-MEGALOBLASTIC ANEMIA, cblE COMPLEMENTATION TYPE; HOMOCYSTINURIA-MEGALOBLASTIC ANEMIA, cblE TYPE; VITAMIN B12-RESPONSIVE HOMOCYSTINURIA, cblE TYPE. Identifiers: Orphanet 2169, Orphanet 622, MedGen C1856057, MONDO:0009354, OMIM 236270.

Allele frequency attached by ClinVar (database versions not stated): gnomAD exomes below 0.00001; ExAC 0.00001.
gnomAD v4.1: 5 of 1,604,554 alleles (0.00031%); highest among the groups gnomAD compares: Non-Finnish European, 0.00042%; no homozygotes.

Submission:

Labcorp Genetics (formerly Invitae), Labcorp
Classification: Likely pathogenic for Methylcobalamin deficiency type cblE. Last evaluated: 2023-03-22. Review status: criteria provided, single submitter. Criteria: Invitae Variant Classification Sherloc (09022015). Collection method: clinical testing. Allele origin: germline.
Comment: Algorithms developed to predict the effect of sequence changes on RNA splicing suggest that this variant may disrupt the consensus splice site. This sequence change affects an acceptor splice site in intron 6 of the MTRR gene. It is expected to disrupt RNA splicing. Variants that disrupt the donor or acceptor splice site typically lead to a loss of protein function (PMID: 16199547), and loss-of-function variants in MTRR are known to be pathogenic (PMID: 15714522). The frequency data for this variant in the population databases is considered unreliable, as metrics indicate poor data quality at this position in the gnomAD database. This variant has not been reported in the literature in individuals affected with MTRR-related conditions. In summary, the currently available evidence indicates that the variant is pathogenic, but additional data are needed to prove that conclusively. Therefore, this variant has been classified as Likely Pathogenic.

Literature cited by the submitters: PubMed 16199547; PubMed 15714522.